The following is an entry in ClinVar:

NM_002907.4(RECQL):c.1070A>G (p.His357Arg)

Gene: RECQL (RecQ like helicase; minus strand). Cytogenetic location: 12p12.1.
Variant type: single nucleotide variant.
Coding change: c.1070A>G on transcript NM_002907.4 (MANE Select); coding-DNA position 1070, A replaced by G.
Protein change: p.His357Arg; replaces histidine 357 with arginine.
Molecular consequence: missense variant.
Genome position (GRCh38, 1-based): chr12:21,475,704, T>C on the plus strand (A>G on the coding strand, the complement: RECQL is on the minus strand). VCF-style: chr12-21475704-T-C. GRCh37 (hg19) VCF-style: chr12-21628638-T-C.
Other names: c.1070A>G, p.His357Arg (NM_032941.3); short protein forms H357R.
Identifiers: ClinVar variation 1783222 (VCV001783222.3), dbSNP rs1454176722, ClinGen allele CA384121228.

ClinVar aggregate classification (germline): Uncertain significance (1 of 4 stars; one submission).

Submission:

Ambry Genetics
Classification: Uncertain significance. Last evaluated: 2025-08-14. Review status: criteria provided, single submitter. Criteria: Ambry Variant Classification Scheme 2023. Collection method: clinical testing. Allele origin: germline.
Comment: The p.H357R variant (also known as c.1070A>G), located in coding exon 8 of the RECQL gene, results from an A to G substitution at nucleotide position 1070. The histidine at codon 357 is replaced by arginine, an amino acid with highly similar properties. This amino acid position is conserved. In addition, this alteration is predicted to be deleterious by in silico analysis. Since supporting evidence is limited at this time, the clinical significance of this alteration remains unclear.